The following is an entry in ClinVar:

NM_014491.4(FOXP2):c.1913T>C (p.Leu638Pro)

Gene: FOXP2 (forkhead box P2; plus strand). Cytogenetic location: 7q31.1.
Variant type: single nucleotide variant.
Coding change: c.1913T>C on transcript NM_014491.4 (MANE Select); coding-DNA position 1913, T replaced by C.
Protein change: p.Leu638Pro; replaces leucine 638 with proline.
Molecular consequence: missense variant. On other transcripts: non-coding transcript variant (2).
Genome position (GRCh38, 1-based): chr7:114,664,346, T>C. VCF-style: chr7-114664346-T-C. GRCh37 (hg19) VCF-style: chr7-114304401-T-C.
Other names: c.1910T>C, p.Leu637Pro (NM_001172766.3); c.1988T>C, p.Leu663Pro (NM_148898.4); c.1964T>C, p.Leu655Pro (NM_148900.4); short protein forms L637P, L638P, L655P, L663P.
Identifiers: ClinVar variation 3348494 (VCV003348494.1).

ClinVar aggregate classification (germline): Uncertain significance (0 of 4 stars; one submission).

Conditions:
FOXP2-related disorder. Also called: FOXP2-related condition.

gnomAD v4.1: 2 of 1,613,674 alleles (0.00012%); highest among the groups gnomAD compares: Non-Finnish European, 0.00017%; no homozygotes.

Submission:

PreventionGenetics, part of Exact Sciences
Classification: Uncertain significance for FOXP2-related condition. Last evaluated: 2024-04-05. Review status: no assertion criteria provided. Collection method: clinical testing. Allele origin: germline.
Comment: The FOXP2 c.1913T>C variant is predicted to result in the amino acid substitution p.Leu638Pro. To our knowledge, this variant has not been reported in the literature. This variant is reported in 0.0018% of alleles in individuals of European (Non-Finnish) descent in gnomAD. At this time, the clinical significance of this variant is uncertain due to the absence of conclusive functional and genetic evidence.